The following is an entry in ClinVar:

ClinVar aggregate classification (germline): Benign. Review status: criteria provided, multiple submitters, no conflicts (2 of 4 stars). 3 submissions from 3 submitters: Benign (3). Last evaluated 2018-11-12.

Conditions:
White sponge nevus 1. Also called: LEUKOKERATOSIS, HEREDITARY MUCOSAL. Identifiers: MedGen C4011926, MONDO:0008676, OMIM 193900.

Allele frequency attached by ClinVar (database versions not stated): 1000 Genomes Project 30x 0.82308; 1000 Genomes Project 0.82348; TOPMed 0.82800; ExAC 0.83173; gnomAD 0.83406 and 0.83484; gnomAD exomes 0.83448 and 0.85310; ESP Exome Variant Server 0.83568.
gnomAD v4.1: 1,371,184 of 1,611,412 alleles (85%); highest among the groups gnomAD compares: Non-Finnish European, 86%; 584,665 homozygotes.

Submissions (3):

GeneDx
Classification: Benign. Last evaluated: 2018-11-12. Review status: criteria provided, single submitter. Criteria: GeneDx Variant Classification Process June 2021. Collection method: clinical testing. Allele origin: germline. Affected: yes.

Illumina Laboratory Services, Illumina
Classification: Benign for White sponge nevus 1. Last evaluated: 2018-01-12. Review status: criteria provided, single submitter. Criteria: ICSL Variant Classification Criteria 13 December 2019. Collection method: clinical testing. Allele origin: germline.
Comment: This variant was observed in the ICSL laboratory as part of a predisposition screen in an ostensibly healthy population. It had not been previously curated by ICSL or reported in the Human Gene Mutation Database (HGMD: prior to June 1st, 2018), and was therefore a candidate for classification through an automated scoring system. Utilizing variant allele frequency, disease prevalence and penetrance estimates, and inheritance mode, an automated score was calculated to assess if this variant is too frequent to cause the disease. Based on the score and internal cut-off values, a variant classified as benign is not then subjected to further curation. The score for this variant resulted in a classification of benign for this disease.

Breakthrough Genomics
Classification: Benign. Review status: criteria provided, single submitter. Criteria: ACMG Guidelines, 2015. Collection method: not provided. Allele origin: germline. Inheritance: Autosomal dominant inheritance. Affected: yes.

NM_002272.4(KRT4):c.678-14G>A

Gene: KRT4 (keratin 4; minus strand). Cytogenetic location: 12q13.13.
Variant type: single nucleotide variant.
Coding change: c.678-14G>A on transcript NM_002272.4 (MANE Select); 14 bases into the intron before coding-DNA position 678, G replaced by A.
Molecular consequence: intron variant.
Genome position (GRCh38, 1-based): chr12:52,810,830, C>T on the plus strand (G>A on the coding strand, the complement: KRT4 is on the minus strand). VCF-style: chr12-52810830-C-T. GRCh37 (hg19) VCF-style: chr12-53204614-C-T.
Identifiers: ClinVar variation 309687 (VCV000309687.7), dbSNP rs2307027, ClinGen allele CA6588649.